The following is an entry in ClinVar:

NM_005732.4(RAD50):c.1481A>G (p.Asn494Ser)

Gene: RAD50 (RAD50 double strand break repair protein; plus strand). Cytogenetic location: 5q31.1.
Variant type: single nucleotide variant.
Coding change: c.1481A>G on transcript NM_005732.4 (MANE Select); coding-DNA position 1481, A replaced by G.
Protein change: p.Asn494Ser; replaces asparagine 494 with serine.
Molecular consequence: missense variant.
Genome position (GRCh38, 1-based): chr5:132,591,252, A>G. VCF-style: chr5-132591252-A-G. GRCh37 (hg19) VCF-style: chr5-131926944-A-G.
Other names: short protein forms N494S.
Identifiers: ClinVar variation 1773571 (VCV001773571.2), dbSNP rs2479640808, ClinGen allele CA360945524.

ClinVar aggregate classification (germline): Uncertain significance (1 of 4 stars; one submission).

Conditions:
Hereditary cancer-predisposing syndrome. Also called: Hereditary Cancer Syndrome; Hereditary neoplastic syndrome; Neoplastic Syndromes, Hereditary; Tumor predisposition. Identifiers: Orphanet 140162, MedGen C0027672, MeSH D009386, MONDO:0015356.

Submission:

Ambry Genetics
Classification: Uncertain significance for Hereditary cancer-predisposing syndrome. Last evaluated: 2021-11-22. Review status: criteria provided, single submitter. Criteria: Ambry Variant Classification Scheme 2023. Collection method: clinical testing. Allele origin: germline.
Comment: The p.N494S variant (also known as c.1481A>G), located in coding exon 10 of the RAD50 gene, results from an A to G substitution at nucleotide position 1481. The asparagine at codon 494 is replaced by serine, an amino acid with highly similar properties. This amino acid position is conserved. In addition, this alteration is predicted to be tolerated by in silico analysis. Since supporting evidence is limited at this time, the clinical significance of this alteration remains unclear.